The following is an entry in ClinVar:

ClinVar aggregate classification (germline): Uncertain significance. Review status: criteria provided, multiple submitters, no conflicts (2 of 4 stars). 3 submissions from 3 submitters: Uncertain significance (3). Last evaluated 2026-02-04.

Conditions:
FG syndrome (FGS). Identifiers: MedGen C0220769, MONDO:0002010.

gnomAD v4.1: 1 of 1,209,510 alleles (0.000083%); highest among the groups gnomAD compares: Non-Finnish European, 0.00011%; no homozygotes.

Submissions (3):

Labcorp Genetics (formerly Invitae), Labcorp
Classification: Uncertain significance for FG syndrome. Last evaluated: 2026-02-04. Review status: criteria provided, single submitter. Criteria: Invitae Variant Classification Sherloc (09022015). Collection method: clinical testing. Allele origin: germline.
Comment: This sequence change replaces threonine, which is neutral and polar, with proline, which is neutral and non-polar, at codon 344 of the MED12 protein (p.Thr344Pro). This variant is not present in population databases (gnomAD no frequency). This variant has not been reported in the literature in individuals affected with MED12-related conditions. ClinVar contains an entry for this variant (Variation ID: 458810). Invitae Evidence Modeling of protein sequence and biophysical properties (such as structural, functional, and spatial information, amino acid conservation, physicochemical variation, residue mobility, and thermodynamic stability) indicates that this missense variant is not expected to disrupt MED12 protein function with a negative predictive value of 95%. In summary, the available evidence is currently insufficient to determine the role of this variant in disease. Therefore, it has been classified as a Variant of Uncertain Significance.

Greenwood Genetic Center Diagnostic Laboratories, Greenwood Genetic Center
Classification: Uncertain significance. Last evaluated: 2024-09-23. Review status: criteria provided, single submitter. Criteria: ACMG Guidelines, 2015. Collection method: clinical testing. Allele origin: germline. Affected: yes.
Comment: BP4, PP2

GeneDx
Classification: Uncertain significance. Last evaluated: 2024-05-17. Review status: criteria provided, single submitter. Criteria: GeneDx Variant Classification Process June 2021. Collection method: clinical testing. Allele origin: germline. Affected: yes.
Comment: Has not been previously published as pathogenic or benign to our knowledge; Not observed at significant frequency in large population cohorts (gnomAD); In silico analysis supports that this missense variant has a deleterious effect on protein structure/function

NM_005120.3(MED12):c.1030A>C (p.Thr344Pro)

Gene: MED12 (mediator complex subunit 12; plus strand). Cytogenetic location: Xq13.1.
Variant type: single nucleotide variant.
Coding change: c.1030A>C on transcript NM_005120.3 (MANE Select); coding-DNA position 1030, A replaced by C.
Protein change: p.Thr344Pro; replaces threonine 344 with proline.
Molecular consequence: missense variant.
Genome position (GRCh38, 1-based): chrX:71,121,745, A>C. VCF-style: chrX-71121745-A-C. GRCh37 (hg19) VCF-style: chrX-70341595-A-C.
Other names: short protein forms T344P.
Identifiers: ClinVar variation 458810 (VCV000458810.11), dbSNP rs1556334571, ClinGen allele CA413505047.